The following is an entry in ClinVar:

NM_033305.3(VPS13A):c.3961-2A>C

Gene: VPS13A (vacuolar protein sorting 13 homolog A; plus strand). Cytogenetic location: 9q21.2.
Variant type: single nucleotide variant.
Coding change: c.3961-2A>C on transcript NM_033305.3 (MANE Select); the canonical splice acceptor site of the intron before coding-DNA position 3961, A replaced by C.
Molecular consequence: splice acceptor variant.
Genome position (GRCh38, 1-based): chr9:77,307,943, A>C. VCF-style: chr9-77307943-A-C. GRCh37 (hg19) VCF-style: chr9-79922859-A-C.
Other names: c.3844-2A>C (NM_001018037.2); c.3961-2A>C (NM_015186.4, NM_001018038.3).
Identifiers: ClinVar variation 935544 (VCV000935544.14), dbSNP rs1244139989, ClinGen allele CA373853141.

ClinVar aggregate classification (germline): Likely pathogenic. Review status: criteria provided, multiple submitters, no conflicts (2 of 4 stars). 5 submissions from 5 submitters: Likely pathogenic (5). Last evaluated 2025-04-04.

Conditions:
VPS13A-related neurodegenerative disease. Also called: VPS13A Disease; ACANTHOCYTOSIS WITH NEUROLOGIC DISORDER; Choreoacanthocytosis; Chorea-acanthocytosis; Choreaacanthocytosis; LEVINE-CRITCHLEY SYNDROME. Identifiers: Orphanet 2388, MedGen C0393576, MONDO:0008695, OMIM 200150.

Allele frequency attached by ClinVar (database versions not stated): gnomAD exomes below 0.00001; TOPMed 0.00002; gnomAD 0.00003 and 0.00004.
gnomAD v4.1: 9 of 1,578,574 alleles (0.00057%); highest among the groups gnomAD compares: Admixed American, 0.012%; no homozygotes.

Submissions (5):

Revvity Omics, Revvity
Classification: Likely pathogenic for VPS13A-related neurodegenerative disease. Last evaluated: 2025-04-04. Review status: criteria provided, single submitter. Criteria: ACMG Guidelines, 2015. Collection method: clinical testing. Allele origin: germline.

Natera, Inc.
Classification: Likely pathogenic for Choreaacanthocytosis. Last evaluated: 2025-03-10. Review status: criteria provided, single submitter. Criteria: Natera Variant Classification Schema (03/2026). Collection method: clinical testing. Allele origin: germline.
Comment: The c.3961-2A>C variant in VPS13A is a canonical splice acceptor site variant predicted to affect pre-mRNA splicing, which may result in an abnormal transcript and altered protein product. This variant is expected to result in nonsense mediated decay, truncation, or a dysfunctional protein product. This variant is rare in the general population with a frequency below the threshold expected for the associated phenotype(s). Given the available evidence, this variant is classified as Likely Pathogenic.

Women's Health and Genetics/Laboratory Corporation of America, LabCorp
Classification: Likely pathogenic for VPS13A-related neurodegenerative disease. Last evaluated: 2024-10-07. Review status: criteria provided, single submitter. Criteria: LabCorp Variant Classification Summary - May 2015. Collection method: clinical testing. Allele origin: germline.
Comment: Variant summary: VPS13A c.3961-2A>C is located in a canonical splice-site and is predicted to affect mRNA splicing resulting in a significantly altered protein due to either exon skipping, shortening, or inclusion of intronic material. Variants that disrupt the consensus splice site are a relatively common cause of aberrant splicing and loss of VPS13A function. Several computational tools predict a significant impact on normal splicing: Four predict the variant abolishes the canonical 3' acceptor site. Two predict the variant creates a cryptic 3' acceptor site. One predict the variant strengthens the cryptic 3' acceptor site. However, these predictions have yet to be confirmed by functional studies. The variant allele was found at a frequency of 4e-06 in 247334 control chromosomes. To our knowledge, no occurrence of c.3961-2A>C in individuals affected with Choreoacanthocytosis and no experimental evidence demonstrating its impact on protein function have been reported. ClinVar contains an entry for this variant (Variation ID: 935544). Based on the evidence outlined above, the variant was classified as likely pathogenic.

Labcorp Genetics (formerly Invitae), Labcorp
Classification: Likely pathogenic. Last evaluated: 2024-05-13. Review status: criteria provided, single submitter. Criteria: Invitae Variant Classification Sherloc (09022015). Collection method: clinical testing. Allele origin: germline.
Comment: This sequence change affects an acceptor splice site in intron 34 of the VPS13A gene. It is expected to disrupt RNA splicing. Variants that disrupt the donor or acceptor splice site typically lead to a loss of protein function (PMID: 16199547), and loss-of-function variants in VPS13A are known to be pathogenic (PMID: 12404112, 21598378). This variant is present in population databases (no rsID available, gnomAD 0.003%). This variant has not been reported in the literature in individuals affected with VPS13A-related conditions. ClinVar contains an entry for this variant (Variation ID: 935544). Algorithms developed to predict the effect of sequence changes on RNA splicing suggest that this variant may disrupt the consensus splice site. In summary, the currently available evidence indicates that the variant is pathogenic, but additional data are needed to prove that conclusively. Therefore, this variant has been classified as Likely Pathogenic.

Fulgent Genetics
Classification: Likely pathogenic for VPS13A-related neurodegenerative disease. Last evaluated: 2024-03-27. Review status: criteria provided, single submitter. Criteria: ACMG Guidelines, 2015. Collection method: clinical testing. Allele origin: germline.

Literature cited by the submitters: PubMed 16199547 (cited by Labcorp Genetics (formerly Invitae), Labcorp); PubMed 12404112 (cited by Labcorp Genetics (formerly Invitae), Labcorp); PubMed 21598378 (cited by Labcorp Genetics (formerly Invitae), Labcorp).